The following is an entry in ClinVar:

NM_004393.6(DAG1):c.173A>T (p.His58Leu)

Gene: DAG1 (dystroglycan 1; plus strand). Cytogenetic location: 3p21.31.
Variant type: single nucleotide variant.
Coding change: c.173A>T on transcript NM_004393.6 (MANE Select); coding-DNA position 173, A replaced by T.
Protein change: p.His58Leu; replaces histidine 58 with leucine.
Molecular consequence: missense variant.
Genome position (GRCh38, 1-based): chr3:49,510,707, A>T. VCF-style: chr3-49510707-A-T. GRCh37 (hg19) VCF-style: chr3-49548140-A-T.
Other names: c.173A>T, p.His58Leu (NM_001165928.4, NM_001177634.3, NM_001177635.3 and 9 more transcripts); short protein forms H58L.
Identifiers: ClinVar variation 1385190 (VCV001385190.8), dbSNP rs956626990, ClinGen allele CA74517497.

ClinVar aggregate classification (germline): Uncertain significance (1 of 4 stars; one submission).

Conditions:
Autosomal recessive limb-girdle muscular dystrophy type 2P. Also called: MUSCULAR DYSTROPHY-DYSTROGLYCANOPATHY, LIMB-GIRDLE, DAG1-RELATED; Limb-Girdle Muscular Dystrophy Type 9C; MUSCULAR DYSTROPHY, LIMB-GIRDLE, TYPE 2P. Identifiers: Orphanet 280333, MedGen C4511963, MONDO:0013440, OMIM 613818.
Muscular dystrophy-dystroglycanopathy (congenital with brain and eye anomalies), type A9. Also called: Muscular dystrophy-dystroglycanopathy (congenital with brain and eye anomalies), type a, 9; WALKER-WARBURG SYNDROME OR MUSCLE-EYE BRAIN DISEASE, DAG1-RELATED. Identifiers: Orphanet 370997, Orphanet 899, MedGen C4225291, MONDO:0014683, OMIM 616538.

Submission:

Labcorp Genetics (formerly Invitae), Labcorp
Classification: Uncertain significance for Autosomal recessive limb-girdle muscular dystrophy type 2P; Muscular dystrophy-dystroglycanopathy (congenital with brain and eye anomalies), type A9. Last evaluated: 2022-10-13. Review status: criteria provided, single submitter. Criteria: Invitae Variant Classification Sherloc (09022015). Collection method: clinical testing. Allele origin: germline.
Comment: In summary, the available evidence is currently insufficient to determine the role of this variant in disease. Therefore, it has been classified as a Variant of Uncertain Significance. Advanced modeling of protein sequence and biophysical properties (such as structural, functional, and spatial information, amino acid conservation, physicochemical variation, residue mobility, and thermodynamic stability) performed at Invitae indicates that this missense variant is not expected to disrupt DAG1 protein function. ClinVar contains an entry for this variant (Variation ID: 1385190). This variant has not been reported in the literature in individuals affected with DAG1-related conditions. This variant is not present in population databases (gnomAD no frequency). This sequence change replaces histidine, which is basic and polar, with leucine, which is neutral and non-polar, at codon 58 of the DAG1 protein (p.His58Leu).